The following is an entry in ClinVar:

NM_014334.4(FRRS1L):c.710-21_710-20delinsCA

Gene: FRRS1L (ferric chelate reductase 1 like; minus strand). Cytogenetic location: 9q31.3.
Variant type: Indel.
Coding change: c.710-21_710-20delinsCA on transcript NM_014334.4 (MANE Select); 21 bases into the intron before coding-DNA position 710 through 20 bases into the intron before coding-DNA position 710, TC replaced by CA.
Molecular consequence: intron variant.
Genome position (GRCh38, 1-based): chr9:109,137,647-109,137,648, GA replaced by TG on the plus strand (TC replaced by CA on the coding strand, the reverse complement: FRRS1L is on the minus strand). VCF-style: chr9-109137647-GA-TG. GRCh37 (hg19) VCF-style: chr9-111899927-GA-TG.
Identifiers: ClinVar variation 2131740 (VCV002131740.4), dbSNP rs2538494527, ClinGen allele CA2580079393.

ClinVar aggregate classification (germline): Uncertain significance (1 of 4 stars; one submission).

Conditions:
Developmental and epileptic encephalopathy, 37 (DEE37). Also called: Epileptic encephalopathy, early infantile, 37. Identifiers: MedGen C4310770, MONDO:0014859, OMIM 616981.

Submission:

Labcorp Genetics (formerly Invitae), Labcorp
Classification: Uncertain significance for Developmental and epileptic encephalopathy, 37. Last evaluated: 2022-04-29. Review status: criteria provided, single submitter. Criteria: Invitae Variant Classification Sherloc (09022015). Collection method: clinical testing. Allele origin: germline.
Comment: In summary, the available evidence is currently insufficient to determine the role of this variant in disease. Therefore, it has been classified as a Variant of Uncertain Significance. Experimental studies and prediction algorithms are not available or were not evaluated, and the effect of this variant on mRNA splicing is currently unknown. This variant has not been reported in the literature in individuals affected with FRRS1L-related conditions. Information on the frequency of this variant in the gnomAD database is not available, as this variant may be reported differently in the database. This sequence change falls in intron 4 of the FRRS1L gene. It does not directly change the encoded amino acid sequence of the FRRS1L protein.